The following is an entry in ClinVar:

NM_001128164.2(ATXN1):c.2031A>G (p.Ser677=)

Gene: ATXN1 (ataxin 1; minus strand). Cytogenetic location: 6p22.3.
Variant type: single nucleotide variant.
Coding change: c.2031A>G on transcript NM_001128164.2 (MANE Select); coding-DNA position 2031, A replaced by G.
Protein change: p.Ser677=; no amino-acid change (serine 677 retained).
Molecular consequence: synonymous variant. On other transcripts: 3 prime UTR variant (1).
Genome position (GRCh38, 1-based): chr6:16,306,746, T>C on the plus strand (A>G on the coding strand, the complement: ATXN1 is on the minus strand). VCF-style: chr6-16306746-T-C. GRCh37 (hg19) VCF-style: chr6-16306977-T-C.
Other names: c.2031A>G, p.Ser677= (NM_000332.4); c.*1444A>G (NM_001357857.2).
Identifiers: ClinVar variation 3037222 (VCV003037222.2), dbSNP rs34324423, ClinGen allele CA3645195.

ClinVar aggregate classification (germline): Benign (0 of 4 stars; one submission).

Conditions:
ATXN1-related disorder. Also called: ATXN1-related condition.

Allele frequency attached by ClinVar (database versions not stated): 1000 Genomes Project 0.02256; 1000 Genomes Project 30x 0.02420; ESP Exome Variant Server 0.02468.
gnomAD v4.1: 8,404 of 1,613,982 alleles (0.52%); highest among the groups gnomAD compares: African/African-American, 7.1%; 224 homozygotes.

Submission:

PreventionGenetics, part of Exact Sciences
Classification: Benign for ATXN1-related condition. Last evaluated: 2019-08-14. Review status: no assertion criteria provided. Collection method: clinical testing. Allele origin: germline.
Comment: This variant is classified as benign based on ACMG/AMP sequence variant interpretation guidelines (Richards et al. 2015 PMID: 25741868, with internal and published modifications).